The following is an entry in ClinVar:

ClinVar aggregate classification (germline): Pathogenic. Review status: criteria provided, multiple submitters, no conflicts (2 of 4 stars). 5 submissions from 5 submitters: Pathogenic (4). 1 of the submissions does not count toward it. Last evaluated 2026-06-23.

Conditions:
Achondroplasia (ACH). Also called: Achondroplastic dwarfism. Identifiers: Orphanet 15, MedGen C0001080, MONDO:0007037, OMIM 100800. Disease mechanism: gain of function.
Germ cell tumor of testis (TGCT). Also called: Testicular germ cell tumor; GERM CELL TUMOR, SOMATIC. Identifiers: Orphanet 363504, MedGen C1336708, MONDO:0010108, OMIM 273300.
Crouzon syndrome-acanthosis nigricans syndrome. Also called: CROUZONODERMOSKELETAL SYNDROME. Identifiers: Orphanet 93262, MedGen C2677099, MONDO:0012833, OMIM 612247.
Malignant tumor of urinary bladder. Also called: Urinary bladder cancer; Urinary Bladder Neoplasms; Bladder cancer. Identifiers: MedGen C0005684, MONDO:0001187, OMIM 109800.
Hypochondroplasia (HCH). Identifiers: Orphanet 429, MedGen C0410529, MONDO:0007793, OMIM 146000. Disease mechanism: gain of function.
Colorectal cancer. Also called: Malignant Colorectal Neoplasm; Colorectal cancer, somatic. Identifiers: MedGen C0346629, MONDO:0005575, OMIM 114500.
Camptodactyly-tall stature-scoliosis-hearing loss syndrome. Also called: CATSHL SYNDROME. Identifiers: Orphanet 85164, MedGen C1864852, MONDO:0012504, OMIM 610474.
Cervical cancer. Also called: Cervical cancer, somatic; Cervix cancer; Cancer of cervix. Identifiers: MedGen C4048328, MONDO:0002974, OMIM 603956, HP:0030079.
Muenke syndrome (MNKES). Also called: MUENKE NONSYNDROMIC CORONAL CRANIOSYNOSTOSIS. Identifiers: Orphanet 53271, MedGen C1864436, MONDO:0011274, OMIM 602849.
Thanatophoric dysplasia type 1 (TD1). Also called: PLATYSPONDYLIC LETHAL SKELETAL DYSPLASIA, SAN DIEGO TYPE; LETHAL SHORT-LIMBED PLATYSPONDYLIC DWARFISM, SAN DIEGO TYPE; Thanatophoric Dysplasia Type 1 (TD Type 1). Identifiers: Orphanet 1860, Orphanet 2655, MedGen C1868678, MONDO:0008546, OMIM 187600. Disease mechanism: gain of function.
Thanatophoric dysplasia, type 2 (TD2). Also called: THANATOPHORIC DYSPLASIA WITH KLEEBLATTSCHAEDEL; THANATOPHORIC DYSPLASIA WITH STRAIGHT FEMURS AND CLOVERLEAF SKULL; Thanatophoric Dysplasia Type 2 (TD Type 2); CLOVERLEAF SKULL WITH THANATOPHORIC DWARFISM. Identifiers: Orphanet 2655, Orphanet 93274, MedGen C1300257, MONDO:0008547, OMIM 187601. Disease mechanism: gain of function.
Epidermal nevus. Also called: NEVUS, KERATINOCYTIC, NONEPIDERMOLYTIC; Nevus, epidermal, somatic. Identifiers: Orphanet 79414, MedGen C0334082, MONDO:0008093, OMIM 162900, HP:0010816.
Severe achondroplasia-developmental delay-acanthosis nigricans syndrome. Also called: Severe achondroplasia with developmental delay and acanthosis nigricans; SADDAN dysplasia. Identifiers: Orphanet 85165, MedGen C2674173, MONDO:0014658, OMIM 616482.
Levy-Hollister syndrome (LADD). Also called: LADD syndrome. Identifiers: Orphanet 2363, MedGen C0265269, MONDO:0007872.
FGFR3-related chondrodysplasia. Identifiers: Orphanet 93420, MedGen C5681604, MONDO:0019685.

Submissions (5):

Genomenon, Inc
Classification: Pathogenic for FGFR3-related chondrodysplasia. Last evaluated: 2026-06-23. Review status: criteria provided, single submitter. Criteria: Genomenon Sequence Variant Interpretation Standards - Updated. Collection method: curation. Allele origin: germline. Affected: yes.
Comment: FGFR3 p.Ter807LeuextTer101 (c.2420G>T) is a stop-loss variant that results in a C-terminal protein extension. This variant has been observed in at least one proband with an FGFR3-related disorder (PMID:33942288;25614871). A de novo occurrence of this variant has been observed in at least one affected individual (PMID:33942288). It is absent or not present at a significant frequency in gnomAD. In conclusion, we classify FGFR3 p.Ter807LeuextTer101 (c.2420G>T) as a pathogenic variant.

GeneDx
Classification: Pathogenic. Last evaluated: 2022-08-08. Review status: criteria provided, single submitter. Criteria: GeneDx Variant Classification Process June 2021. Collection method: clinical testing. Allele origin: germline. Affected: yes.
Comment: Variant resulting in loss of the termination codon leading to protein extension by 101 amino acids; Identified in patients with thanatophoric dysplaisa in published literature (Passos-Bueno et al., 1999); Multiple other variants resulting in loss of termination codon and protein extension reported in association with thanatophoric dysplasia (HGMD); Several different variants resulting in similar protein extensions have been reported in the Human Gene Mutation Database associated with thanatophoric dysplasia (HGMD), and have apparently similar functional consequences on protein stability and/or processing (Bonaventure et al., 2007; Gibbs et al., 2007); Not observed at significant frequency in large population cohorts (gnomAD); This variant is associated with the following publications: (PMID: 25614871, 25728633, 20301540, 33942288, 9677066, 10425034, 17509076, 17320202)

Fulgent Genetics
Classification: Pathogenic for Achondroplasia; Malignant tumor of urinary bladder; Colorectal cancer; Hypochondroplasia; LADD syndrome 1; Epidermal nevus; Thanatophoric dysplasia type 1; Thanatophoric dysplasia, type 2; Germ cell tumor of testis; Muenke syndrome; Cervical cancer; Camptodactyly-tall stature-scoliosis-hearing loss syndrome; Crouzon syndrome-acanthosis nigricans syndrome; Severe achondroplasia-developmental delay-acanthosis nigricans syndrome. Last evaluated: 2022-02-14. Review status: criteria provided, single submitter. Criteria: ACMG Guidelines, 2015. Collection method: clinical testing. Allele origin: unknown.

Labcorp Genetics (formerly Invitae), Labcorp
Classification: Pathogenic. Last evaluated: 2020-01-14. Review status: criteria provided, single submitter. Criteria: Invitae Variant Classification Sherloc (09022015). Collection method: clinical testing. Allele origin: germline.
Comment: For these reasons, this variant has been classified as Pathogenic. Several other stop codon variants (p.*807Glyext*101, p.*807Argext*101, p.*807Cysext*101) have also been described in individuals with thanatophoric dysplasia type I, which result in the same length of a cysteine-rich, highly hydrophobic elongation at the C-terminus of FGFR3 protein (PMID: 7647778, 25614871). In addition, one of these variants (p.*807Argext*101) has been reported to disrupt the protein function and determined to be pathogenic (PMID: 17509076). This variant has been reported in the literature in individuals affected with thanatophoric dysplasia type I (PMID: 10425034, 25728633). This variant is also known as X807L and *807Leuext*102 in the literature. ClinVar contains an entry for this variant (Variation ID: 65562). This variant is not present in population databases (ExAC no frequency). This sequence change disrupts the translational stop signal of the FGFR3 mRNA. It is expected to replace the original stop signal with a leucine residue and extend the length of the FGFR3 protein by 101 additional amino acid residues (p.*807Leuext*101).

GeneReviews
No classification provided. Condition: Thanatophoric dysplasia type 1. Review status: no classification provided. Collection method: literature only. Allele origin: unknown. Not counted in ClinVar's aggregate classification.

Literature cited by the submitters: PubMed 17320202 (cited by Genomenon, Inc); PubMed 17507011 (cited by Genomenon, Inc); PubMed 10 (cited by Genomenon, Inc); PubMed 17509076 (cited by Genomenon, Inc and Labcorp Genetics (formerly Invitae), Labcorp); PubMed 37875969 (cited by Genomenon, Inc); PubMed 34367232 (cited by Genomenon, Inc); PubMed 33942288 (cited by Genomenon, Inc); PubMed 31476288 (cited by Genomenon, Inc); PubMed 31299979 (cited by Genomenon, Inc); PubMed 21671381 (cited by Genomenon, Inc); PubMed 30692697 (cited by Genomenon, Inc); PubMed 29593476 (cited by Genomenon, Inc); PubMed 28254233 (cited by Genomenon, Inc); PubMed 8723101 (cited by Genomenon, Inc); PubMed 12210587 (cited by Genomenon, Inc); PubMed 12368206 (cited by Genomenon, Inc); PubMed 18923003 (cited by Genomenon, Inc); PubMed 19215249 (cited by Genomenon, Inc); PubMed 24863959 (cited by Genomenon, Inc); PubMed 25614871 (cited by Genomenon, Inc and Labcorp Genetics (formerly Invitae), Labcorp); PubMed 39357670 (cited by Genomenon, Inc); PubMed 25728633 (cited by Genomenon, Inc and Labcorp Genetics (formerly Invitae), Labcorp); PubMed 8845844 (cited by Genomenon, Inc); PubMed 30048571 (cited by Genomenon, Inc); PubMed 29542187 (cited by Genomenon, Inc); PubMed 16841094 (cited by Genomenon, Inc); PubMed 35793999 (cited by Genomenon, Inc); PubMed 34582081 (cited by Genomenon, Inc); PubMed 29068064 (cited by Genomenon, Inc); PubMed 9154000 (cited by Genomenon, Inc); PubMed 26003532 (cited by Genomenon, Inc); PubMed 27987249 (cited by Genomenon, Inc); PubMed 28249712 (cited by Genomenon, Inc); PubMed 9229114 (cited by Genomenon, Inc); PubMed 9076574 (cited by Genomenon, Inc); PubMed 19293680 (cited by Genomenon, Inc); PubMed 7573032 (cited by Genomenon, Inc); PubMed 14745970 (cited by Genomenon, Inc); PubMed 15769677 (cited by Genomenon, Inc); PubMed 9055906 (cited by Genomenon, Inc); PubMed 10425034 (cited by Genomenon, Inc and Labcorp Genetics (formerly Invitae), Labcorp); PubMed 10696568 (cited by Genomenon, Inc); PubMed 11181569 (cited by Genomenon, Inc); PubMed 11241532 (cited by Genomenon, Inc); PubMed 12357475 (cited by Genomenon, Inc); PubMed 17630040 (cited by Genomenon, Inc); PubMed 19066716 (cited by Genomenon, Inc); PubMed 19449430 (cited by Genomenon, Inc); PubMed 19752524 (cited by Genomenon, Inc); PubMed 22414243 (cited by Genomenon, Inc); PubMed 24075385 (cited by Genomenon, Inc); PubMed 25671245 (cited by Genomenon, Inc); PubMed 25800480 (cited by Genomenon, Inc); PubMed 14534538 (cited by Genomenon, Inc); PubMed 17103447 (cited by Genomenon, Inc); PubMed 9133360 (cited by Genomenon, Inc); PubMed 26224133 (cited by Genomenon, Inc); PubMed 22045636 (cited by Genomenon, Inc); PubMed 7647778 (cited by Genomenon, Inc and Labcorp Genetics (formerly Invitae), Labcorp); PubMed 20301540 (cited by GeneReviews); NCBI Bookshelf NBK1366 (cited by GeneReviews).

NM_000142.5(FGFR3):c.2420G>T (p.Ter807Leu)

Gene: FGFR3 (fibroblast growth factor receptor 3; plus strand). Cytogenetic location: 4p16.3.
Variant type: single nucleotide variant.
Coding change: c.2420G>T on transcript NM_000142.5 (MANE Select); coding-DNA position 2420, G replaced by T.
Protein change: p.Ter807Leu.
Molecular consequence: stop lost. On other transcripts: synonymous variant (1), non-coding transcript variant (1).
Genome position (GRCh38, 1-based): chr4:1,807,261, G>T. VCF-style: chr4-1807261-G-T. GRCh37 (hg19) VCF-style: chr4-1808988-G-T.
Other names: *807delinsLeuArgA; *807L; *809L; *695L; *808L; c.2426G>T, p.Ter809Leu (NM_001163213.2); c.2423G>T, p.Ter808Leu (NM_001354809.2); c.2352G>T, p.Val784= (NM_001354810.2); and 1 more.
Identifiers: ClinVar variation 65562 (VCV000065562.16), dbSNP rs397515514, ClinGen allele CA344894.
Genomic context (GRCh38, chr4:1,807,261, plus strand): 5'-CCGTGTTTGCCCACGACCTGCTGCCCCCGGCCCCACCCAGCAGTGGGGGCTCGCGGACGT[G>T]AAGGGCCACTGGTCCCCAACAATGTGAGGGGTCCCTAGCAGCCCACCCTGCTGCTGGTGC-3'